The following is an entry in ClinVar:

ClinVar aggregate classification (germline): Uncertain significance. Review status: criteria provided, multiple submitters, no conflicts (2 of 4 stars). 2 submissions from 2 submitters: Uncertain significance (2). Last evaluated 2025-08-13.

Conditions:
Inborn genetic diseases. Identifiers: MedGen C0950123, MeSH D030342.

Allele frequency attached by ClinVar (database versions not stated): gnomAD exomes below 0.00001 and 0.00001; ExAC 0.00001; gnomAD 0.00001; TOPMed 0.00002.
gnomAD v4.1: 20 of 1,613,890 alleles (0.0012%); highest among the groups gnomAD compares: South Asian, 0.0044%; no homozygotes.

Submissions (2):

Ambry Genetics
Classification: Uncertain significance for Inborn genetic diseases. Last evaluated: 2025-08-13. Review status: criteria provided, single submitter. Criteria: Ambry Variant Classification Scheme 2023. Collection method: clinical testing. Allele origin: germline.

Labcorp Genetics (formerly Invitae), Labcorp
Classification: Uncertain significance. Last evaluated: 2025-04-16. Review status: criteria provided, single submitter. Criteria: Invitae Variant Classification Sherloc (09022015). Collection method: clinical testing. Allele origin: germline.
Comment: This sequence change replaces arginine, which is basic and polar, with tryptophan, which is neutral and slightly polar, at codon 279 of the LARP7 protein (p.Arg279Trp). This variant is present in population databases (rs201250325, gnomAD 0.003%). This variant has not been reported in the literature in individuals affected with LARP7-related conditions. ClinVar contains an entry for this variant (Variation ID: 1488267). Invitae Evidence Modeling of protein sequence and biophysical properties (such as structural, functional, and spatial information, amino acid conservation, physicochemical variation, residue mobility, and thermodynamic stability) indicates that this missense variant is not expected to disrupt LARP7 protein function with a negative predictive value of 80%. In summary, the available evidence is currently insufficient to determine the role of this variant in disease. Therefore, it has been classified as a Variant of Uncertain Significance.

NM_016648.4(LARP7):c.835C>T (p.Arg279Trp)

Genes: LARP7 (La ribonucleoprotein 7, transcriptional regulator; plus strand), MIR302CHG (miR-302/367 cluster host gene; minus strand). Cytogenetic location: 4q25.
Variant type: single nucleotide variant.
Coding change: c.835C>T on transcript NM_016648.4 (MANE Select); coding-DNA position 835, C replaced by T.
Protein change: p.Arg279Trp; replaces arginine 279 with tryptophan.
Molecular consequence: missense variant.
Genome position (GRCh38, 1-based): chr4:112,647,387, C>T. VCF-style: chr4-112647387-C-T. GRCh37 (hg19) VCF-style: chr4-113568543-C-T.
Other names: c.835C>T (NM_016648.2); c.835C>T, p.Arg279Trp (NM_001267039.4, NM_001370974.1, NM_001370975.1 and 2 more transcripts); c.832C>T, p.Arg278Trp (NM_001370976.1, NM_001370977.1, NM_001370979.1 and 1 more transcripts); c.598C>T, p.Arg200Trp (NM_001370981.1, NM_001370982.1); short protein forms R279W, R200W, R278W.
Identifiers: ClinVar variation 1488267 (VCV001488267.8), dbSNP rs201250325, ClinGen allele CA3049282.